The following is an entry in ClinVar:

ClinVar aggregate classification (germline): Benign. Review status: criteria provided, single submitter (1 of 4 stars). 2 submissions from 2 submitters: Benign (1). 1 of the submissions does not count toward it. Last evaluated 2024-09-25.

Conditions:
ATRX-related disorder. Also called: ATRX-related condition.
Alpha thalassemia-X-linked intellectual disability syndrome (ATRX). Also called: X-linked alpha-thalassemia-mental retardation syndrome; ALPHA-THALASSEMIA/IMPAIRED INTELLECTUAL DEVELOPMENT SYNDROME, X-LINKED; ALPHA-THALASSEMIA/MENTAL RETARDATION SYNDROME, X-LINKED; ATR, NONDELETION TYPE; ATR-X syndrome; Alpha thalassemia mental retardation syndrome, nondeletion type, X-linked. Identifiers: Orphanet 847, MedGen C1845055, MONDO:0010519, OMIM 301040.

Allele frequency attached by ClinVar (database versions not stated): gnomAD exomes 0.00003 and 0.00006; 1000 Genomes Project 30x 0.00042; gnomAD 0.00006; ExAC 0.00002; ESP Exome Variant Server 0.00009; TOPMed 0.00002; 1000 Genomes Project 0.00026.
gnomAD v4.1: 78 of 1,208,985 alleles (0.0065%); highest among the groups gnomAD compares: Non-Finnish European, 0.0082%; no homozygotes.

Submissions (2):

Labcorp Genetics (formerly Invitae), Labcorp
Classification: Benign for Alpha thalassemia-X-linked intellectual disability syndrome. Last evaluated: 2024-09-25. Review status: criteria provided, single submitter. Criteria: Invitae Variant Classification Sherloc (09022015). Collection method: clinical testing. Allele origin: germline.

PreventionGenetics, part of Exact Sciences
Classification: Likely benign for ATRX-related condition. Last evaluated: 2024-03-15. Review status: no assertion criteria provided. Collection method: clinical testing. Allele origin: germline. Not counted in ClinVar's aggregate classification.
Comment: This variant is classified as likely benign based on ACMG/AMP sequence variant interpretation guidelines (Richards et al. 2015 PMID: 25741868, with internal and published modifications).

NM_000489.6(ATRX):c.5001C>T (p.Tyr1667=)

Gene: ATRX (ATRX chromatin remodeler; minus strand). Cytogenetic location: Xq21.1.
Variant type: single nucleotide variant.
Coding change: c.5001C>T on transcript NM_000489.6 (MANE Select); coding-DNA position 5001, C replaced by T.
Protein change: p.Tyr1667=; no amino-acid change (tyrosine 1667 retained).
Molecular consequence: synonymous variant.
Genome position (GRCh38, 1-based): chrX:77,633,340, G>A on the plus strand (C>T on the coding strand, the complement: ATRX is on the minus strand). VCF-style: chrX-77633340-G-A. GRCh37 (hg19) VCF-style: chrX-76888828-G-A.
Other names: c.5001C>T (NM_000489.4); c.4887C>T, p.Tyr1629= (NM_138270.5).
Identifiers: ClinVar variation 1167093 (VCV001167093.10), dbSNP rs202114901, ClinGen allele CA10457722.